The following is an entry in ClinVar:

ClinVar aggregate classification (germline): Uncertain significance (1 of 4 stars; one submission).

Conditions:
Renal cell carcinoma. Identifiers: Orphanet 217071, MedGen C0007134, MeSH D002292, MONDO:0005086, HP:0005584.

Submission:

Labcorp Genetics (formerly Invitae), Labcorp
Classification: Uncertain significance for Renal cell carcinoma. Last evaluated: 2025-10-09. Review status: criteria provided, single submitter. Criteria: Invitae Variant Classification Sherloc (09022015). Collection method: clinical testing. Allele origin: germline.
Comment: This sequence change replaces threonine, which is neutral and polar, with proline, which is neutral and non-polar, at codon 421 of the MET protein (p.Thr421Pro). This variant is not present in population databases (gnomAD no frequency). This variant has not been reported in the literature in individuals affected with MET-related conditions. Invitae Evidence Modeling of protein sequence and biophysical properties (such as structural, functional, and spatial information, amino acid conservation, physicochemical variation, residue mobility, and thermodynamic stability) indicates that this missense variant is not expected to disrupt MET protein function with a negative predictive value of 80%. In summary, the available evidence is currently insufficient to determine the role of this variant in disease. Therefore, it has been classified as a Variant of Uncertain Significance.

NM_000245.4(MET):c.1261A>C (p.Thr421Pro)

Gene: MET (MET proto-oncogene, receptor tyrosine kinase; plus strand). Cytogenetic location: 7q31.2.
Variant type: single nucleotide variant.
Coding change: c.1261A>C on transcript NM_000245.4 (MANE Select); coding-DNA position 1261, A replaced by C.
Protein change: p.Thr421Pro; replaces threonine 421 with proline.
Molecular consequence: missense variant. On other transcripts: 5 prime UTR variant (1).
Genome position (GRCh38, 1-based): chr7:116,731,728, A>C. VCF-style: chr7-116731728-A-C. GRCh37 (hg19) VCF-style: chr7-116371782-A-C.
Other names: c.1261A>C, p.Thr421Pro (NM_001127500.3, NM_001324401.3); c.-30A>C (NM_001324402.2); short protein forms T421P.
Identifiers: ClinVar variation 4740437 (VCV004740437.1).
Genomic context (GRCh38, chr7:116,731,728, plus strand): 5'-ACACTTCTGAGAAATTCATCAGGCTGTGAAGCGCGCCGTGATGAATATCGAACAGAGTTT[A>C]CCACAGCTTTGCAGCGCGTTGACTTATTCATGGGTCAATTCAGCGAAGTCCTCTTAACAT-3'
Protein context (NP_000236.2, residues 411-431): ARRDEYRTEF[Thr421Pro]TALQRVDLFM